The following is an entry in ClinVar:

NM_000264.5(PTCH1):c.958G>T (p.Ala320Ser)

Gene: PTCH1 (patched 1; minus strand). Cytogenetic location: 9q22.32.
Variant type: single nucleotide variant.
Coding change: c.958G>T on transcript NM_000264.5 (MANE Select); coding-DNA position 958, G replaced by T.
Protein change: p.Ala320Ser; replaces alanine 320 with serine.
Molecular consequence: missense variant. On other transcripts: non-coding transcript variant (1).
Genome position (GRCh38, 1-based): chr9:95,480,078, C>A on the plus strand (G>T on the coding strand, the complement: PTCH1 is on the minus strand). VCF-style: chr9-95480078-C-A. GRCh37 (hg19) VCF-style: chr9-98242360-C-A.
Other names: c.505G>T, p.Ala169Ser (NM_001083606.3, NM_001083607.3, NM_001083604.3 and 1 more transcripts); c.958G>T, p.Ala320Ser (NM_001354918.2); c.760G>T, p.Ala254Ser (NM_001083602.3); c.955G>T, p.Ala319Ser (NM_001083603.3); short protein forms A254S, A320S, A169S, A319S.
Identifiers: ClinVar variation 524533 (VCV000524533.9), dbSNP rs1554699658, ClinGen allele CA374119797.

ClinVar aggregate classification (germline): Uncertain significance (1 of 4 stars; one submission).

Conditions:
Gorlin syndrome. Also called: Nevoid Basal Cell Carcinoma Syndrome; Basal cell nevus syndrome. Identifiers: Orphanet 377, MedGen C0004779, MONDO:0007187.

Submission:

Labcorp Genetics (formerly Invitae), Labcorp
Classification: Uncertain significance for Gorlin syndrome. Last evaluated: 2017-11-30. Review status: criteria provided, single submitter. Criteria: Invitae Variant Classification Sherloc (09022015). Collection method: clinical testing. Allele origin: germline.
Comment: In summary, the available evidence is currently insufficient to determine the role of this variant in disease. Therefore, it has been classified as a Variant of Uncertain Significance. Algorithms developed to predict the effect of missense changes on protein structure and function (SIFT, PolyPhen-2, Align-GVGD) all suggest that this variant is likely to be tolerated, but these predictions have not been confirmed by published functional studies and their clinical significance is uncertain. This variant has not been reported in the literature in individuals with PTCH1-related disease. This variant is not present in population databases (ExAC no frequency). This sequence change replaces alanine with serine at codon 320 of the PTCH1 protein (p.Ala320Ser). The alanine residue is moderately conserved and there is a moderate physicochemical difference between alanine and serine.